The following is an entry in ClinVar:

NC_000015.9:g.(?_31196867)_(34112028_?)dup

Genes: ARHGAP11A (Rho GTPase activating protein 11A; plus strand), CHRNA7 (cholinergic receptor nicotinic alpha 7 subunit), FAN1 (FANCD2 and FANCI associated nuclease 1; plus strand), GOLGA8N (golgin A8 family member N; plus strand), GOLGA8O (golgin A8 family member O; minus strand) and 8 more. Cytogenetic location: 15q13.2-14.
Variant type: Duplication.
Identifiers: ClinVar variation 2425861 (VCV002425861.4).

ClinVar aggregate classification (germline): Uncertain significance (1 of 4 stars; one submission).

Conditions:
Familial colorectal cancer. Identifiers: MedGen CN280943, MONDO:0023113. Disease mechanism: loss of function.

Submission:

Labcorp Genetics (formerly Invitae), Labcorp
Classification: Uncertain significance for Familial colorectal cancer. Last evaluated: 2022-05-07. Review status: criteria provided, single submitter. Criteria: Invitae Variant Classification Sherloc (09022015). Collection method: clinical testing. Allele origin: germline.
Comment: This variant results in a copy number gain of the genomic region encompassing the promoter of the GREM1 gene. The precise boundaries of this event are unknown. Two different tandem duplications (40 kb and 16 kb) spanning the 3' end of the SCG5 gene and the region upstream of the GREM1 gene have been reported in families with hereditary mixed polyposis syndrome (PMID: 22561515, 25992589, 26493165). However, the gain identified in this individual is different from those variants, and therefore the impact of the additional duplicated sequences on GREM1 expression and function has not been established. In summary, the available evidence is currently insufficient to determine the role of this variant in disease. Therefore, it has been classified as a Variant of Uncertain Significance.

Literature cited by the submitters: PubMed 22561515; PubMed 25992589; PubMed 26493165.